The following is an entry in ClinVar:

ClinVar aggregate classification (germline): Uncertain significance (1 of 4 stars; one submission).

Conditions:
Neuromuscular disease caused by qualitative or quantitative defects of dysferlin. Also called: Qualitative or quantitative defects of dysferlin; Dysferlinopathy. Identifiers: Orphanet 207073, MedGen C2931687, MONDO:0016145.

Submission:

Labcorp Genetics (formerly Invitae), Labcorp
Classification: Uncertain significance for Neuromuscular disease caused by qualitative or quantitative defects of dysferlin. Last evaluated: 2020-06-08. Review status: criteria provided, single submitter. Criteria: Invitae Variant Classification Sherloc (09022015). Collection method: clinical testing. Allele origin: germline.
Comment: In summary, the available evidence is currently insufficient to determine the role of this variant in disease. Therefore, it has been classified as a Variant of Uncertain Significance. Algorithms developed to predict the effect of missense changes on protein structure and function are either unavailable or do not agree on the potential impact of this missense change (SIFT: "Deleterious"; PolyPhen-2: "Possibly Damaging"; Align-GVGD: "Class C0"). This variant has not been reported in the literature in individuals with DYSF-related conditions. This variant is not present in population databases (ExAC no frequency). This sequence change replaces histidine with proline at codon 812 of the DYSF protein (p.His812Pro). The histidine residue is moderately conserved and there is a moderate physicochemical difference between histidine and proline.

NM_001130987.2(DYSF):c.2489A>C (p.His830Pro)

Gene: DYSF (dysferlin; plus strand). Cytogenetic location: 2p13.2.
Variant type: single nucleotide variant.
Coding change: c.2489A>C on transcript NM_001130987.2 (MANE Select); coding-DNA position 2489, A replaced by C.
Protein change: p.His830Pro; replaces histidine 830 with proline.
Molecular consequence: missense variant.
Genome position (GRCh38, 1-based): chr2:71,564,137, A>C. VCF-style: chr2-71564137-A-C. GRCh37 (hg19) VCF-style: chr2-71791267-A-C.
Other names: c.2438A>C, p.His813Pro (NM_001130455.2, NM_001130983.2); c.2393A>C, p.His798Pro (NM_001130976.2, NM_001130977.2); c.2435A>C, p.His812Pro (NM_001130978.2, NM_003494.4); c.2528A>C, p.His843Pro (NM_001130979.2); c.2486A>C, p.His829Pro (NM_001130980.2, NM_001130981.2); c.2531A>C, p.His844Pro (NM_001130982.2); c.2396A>C, p.His799Pro (NM_001130984.2, NM_001130986.2); c.2489A>C, p.His830Pro (NM_001130985.2); short protein forms H798P, H799P, H812P, H813P, H829P, H830P, H843P, H844P.
Identifiers: ClinVar variation 1004459 (VCV001004459.8), dbSNP rs2091948551, ClinGen allele CA347211413.